The following is an entry in ClinVar:

ClinVar aggregate classification (germline): Conflicting classifications of pathogenicity. Review status: criteria provided, conflicting classifications (1 of 4 stars). 4 submissions from 4 submitters: Uncertain significance (2); Likely benign (1). 1 of the submissions does not count toward it. Last evaluated 2026-07-01.

Conditions:
EHHADH-related disorder. Also called: EHHADH-related condition.

Allele frequency attached by ClinVar (database versions not stated): TOPMed 0.00069; gnomAD 0.00066 and 0.00060; ESP Exome Variant Server 0.00069; gnomAD exomes 0.00009 and 0.00027; ExAC 0.00033.
gnomAD v4.1: 234 of 1,612,050 alleles (0.015%); highest among the groups gnomAD compares: African/African-American, 0.19%; 2 homozygotes.

Submissions (4):

CeGaT Center for Human Genetics Tuebingen
Classification: Likely benign. Last evaluated: 2026-07-01. Review status: criteria provided, single submitter. Criteria: CeGaT Center For Human Genetics Tuebingen Variant Classification Criteria Version 2. Collection method: clinical testing. Allele origin: germline. Affected: yes. Observed: 1 variant allele.
Comment: EHHADH: BP4

Mayo Clinic Laboratories, Mayo Clinic
Classification: Uncertain significance. Last evaluated: 2023-12-01. Review status: criteria provided, single submitter. Criteria: ACMG Guidelines, 2015. Collection method: clinical testing. Allele origin: germline. Observed: 1 variant allele.
Comment: BP4

Eurofins Ntd Llc (ga)
Classification: Uncertain significance. Last evaluated: 2017-05-05. Review status: criteria provided, single submitter. Criteria: EGL Classification Definitions 2015. Collection method: clinical testing. Allele origin: germline. Observed: 1 variant allele, 1 heterozygote.

PreventionGenetics, part of Exact Sciences
Classification: Likely benign for EHHADH-related condition. Last evaluated: 2021-04-01. Review status: no assertion criteria provided. Collection method: clinical testing. Allele origin: germline. Not counted in ClinVar's aggregate classification.
Comment: This variant is classified as likely benign based on ACMG/AMP sequence variant interpretation guidelines (Richards et al. 2015 PMID: 25741868, with internal and published modifications).

NM_001966.4(EHHADH):c.881C>T (p.Ala294Val)

Gene: EHHADH (enoyl-CoA hydratase and 3-hydroxyacyl CoA dehydrogenase; minus strand). Cytogenetic location: 3q27.2.
Variant type: single nucleotide variant.
Coding change: c.881C>T on transcript NM_001966.4 (MANE Select); coding-DNA position 881, C replaced by T.
Protein change: p.Ala294Val; replaces alanine 294 with valine.
Molecular consequence: missense variant.
Genome position (GRCh38, 1-based): chr3:185,204,445, G>A on the plus strand (C>T on the coding strand, the complement: EHHADH is on the minus strand). VCF-style: chr3-185204445-G-A. GRCh37 (hg19) VCF-style: chr3-184922233-G-A.
Other names: p.Ala294Val; c.593C>T, p.Ala198Val (NM_001166415.2); c.881C>T (NM_001966.3); short protein forms A294V, A198V.
Identifiers: ClinVar variation 501905 (VCV000501905.9), dbSNP rs140514906, ClinGen allele CA2739105.